The following is an entry in ClinVar:

NM_003587.5(DHX16):c.1463C>T (p.Ser488Leu)

Gene: DHX16 (DEAH-box helicase 16; minus strand). Cytogenetic location: 6p21.33.
Variant type: single nucleotide variant.
Coding change: c.1463C>T on transcript NM_003587.5 (MANE Select); coding-DNA position 1463, C replaced by T.
Protein change: p.Ser488Leu; replaces serine 488 with leucine.
Molecular consequence: missense variant. On other transcripts: 5 prime UTR variant (1).
Genome position (GRCh38, 1-based): chr6:30,662,708, G>A on the plus strand (C>T on the coding strand, the complement: DHX16 is on the minus strand). VCF-style: chr6-30662708-G-A. GRCh37 (hg19) VCF-style: chr6-30630485-G-A.
Other names: c.1283C>T, p.Ser428Leu (NM_001164239.2); c.-657C>T (NM_001363515.2); short protein forms S428L, S488L.
Identifiers: ClinVar variation 4527703 (VCV004527703.1).

ClinVar aggregate classification (germline): Uncertain significance (1 of 4 stars; one submission).

Submission:

GeneDx
Classification: Uncertain significance. Last evaluated: 2025-05-02. Review status: criteria provided, single submitter. Criteria: GeneDx Variant Classification Process June 2021. Collection method: clinical testing. Allele origin: germline. Affected: yes.
Comment: Not observed at significant frequency in large population cohorts (gnomAD); In silico analysis supports that this missense variant has a deleterious effect on protein structure/function; Has not been previously published as pathogenic or benign to our knowledge